The following is an entry in ClinVar:

ClinVar aggregate classification (germline): Uncertain significance. Review status: criteria provided, multiple submitters, no conflicts (2 of 4 stars). 2 submissions from 2 submitters: Uncertain significance (2). Last evaluated 2022-06-07.

Conditions:
Autosomal recessive ataxia, Beauce type. Also called: Spinocerebellar ataxia, autosomal recessive 8; ATAXIA, RECESSIVE, OF BEAUCE; SYNE1 Deficiency; SYNE1-Related Autosomal Recessive Cerebellar Ataxia. Identifiers: Orphanet 88644, MedGen C1853116, MONDO:0012549, OMIM 610743.
Emery-Dreifuss muscular dystrophy 4, autosomal dominant (EDMD4). Also called: EMERY-DREIFUSS MUSCULAR DYSTROPHY 4 WITH VARIABLE FEATURES. Identifiers: Orphanet 261, MedGen C2751807, MONDO:0013071, OMIM 612998.

Submissions (2):

Labcorp Genetics (formerly Invitae), Labcorp
Classification: Uncertain significance for Emery-Dreifuss muscular dystrophy 4, autosomal dominant; Autosomal recessive ataxia, Beauce type. Last evaluated: 2022-06-07. Review status: criteria provided, single submitter. Criteria: Invitae Variant Classification Sherloc (09022015). Collection method: clinical testing. Allele origin: germline.
Comment: This sequence change replaces lysine, which is basic and polar, with glutamic acid, which is acidic and polar, at codon 8525 of the SYNE1 protein (p.Lys8525Glu). This variant is not present in population databases (gnomAD no frequency). This variant has not been reported in the literature in individuals affected with SYNE1-related conditions. ClinVar contains an entry for this variant (Variation ID: 634535). Algorithms developed to predict the effect of missense changes on protein structure and function are either unavailable or do not agree on the potential impact of this missense change (SIFT: "Deleterious"; PolyPhen-2: "Possibly Damaging"; Align-GVGD: "Class C0"). In summary, the available evidence is currently insufficient to determine the role of this variant in disease. Therefore, it has been classified as a Variant of Uncertain Significance.

Genomic Research Center, Shahid Beheshti University of Medical Sciences
Classification: Uncertain significance for Spinocerebellar ataxia, autosomal recessive 8. Last evaluated: 2019-01-01. Review status: criteria provided, single submitter. Criteria: ACMG Guidelines, 2015. Collection method: research. Allele origin: unknown. Affected: no. Observed: 1 variant allele.

NM_182961.4(SYNE1):c.25717A>G (p.Lys8573Glu)

Gene: SYNE1 (spectrin repeat containing nuclear envelope protein 1; minus strand). Cytogenetic location: 6q25.2.
Variant type: single nucleotide variant.
Coding change: c.25717A>G on transcript NM_182961.4 (MANE Select); coding-DNA position 25717, A replaced by G.
Protein change: p.Lys8573Glu; replaces lysine 8573 with glutamic acid.
Molecular consequence: missense variant.
Genome position (GRCh38, 1-based): chr6:152,135,175, T>C on the plus strand (A>G on the coding strand, the complement: SYNE1 is on the minus strand). VCF-style: chr6-152135175-T-C. GRCh37 (hg19) VCF-style: chr6-152456310-T-C.
Other names: c.2323A>G, p.Lys775Glu (NM_001347701.2); c.2251A>G, p.Lys751Glu (NM_001347702.2); c.25573A>G, p.Lys8525Glu (NM_033071.5); short protein forms K8525E, K8573E, K751E, K775E.
Identifiers: ClinVar variation 634535 (VCV000634535.8), dbSNP rs1562922141, ClinGen allele CA366078623.